The following is an entry in ClinVar:

ClinVar aggregate classification (germline): Conflicting classifications of pathogenicity. Review status: criteria provided, conflicting classifications (1 of 4 stars). 2 submissions from 2 submitters: Uncertain significance (1); Likely benign (1). Last evaluated 2024-04-17.

Conditions:
Hypercholesterolemia, autosomal dominant, type B (FHCL2). Also called: APOB-Related Familial Hypercholesterolemia, Autosomal Dominant; Familial Hypercholesterolemia Type B; APOLIPOPROTEIN B-100, FAMILIAL DEFECTIVE; APOLIPOPROTEIN B-100, FAMILIAL LIGAND-DEFECTIVE; HYPERCHOLESTEROLEMIA, FAMILIAL, DUE TO LIGAND-DEFECTIVE APOLIPOPROTEIN B; Hyperlipoproteinemia Type IIb. Identifiers: MedGen C1704417, MONDO:0007751, OMIM 144010.
Familial hypobetalipoproteinemia 1. Also called: Hypobetalipoproteinemia, normotriglyceridemic; Acanthocytosis with hypobetalipoproteinemia; APOB-Related Familial Hypobetalipoproteinemia. Identifiers: MedGen C4551990, MONDO:0014252, OMIM 615558.

Allele frequency attached by ClinVar (database versions not stated): TOPMed below 0.00001; ExAC 0.00001; gnomAD 0.00001; gnomAD exomes 0.00001 and 0.00002.
gnomAD v4.1: 15 of 1,613,980 alleles (0.00093%); highest among the groups gnomAD compares: East Asian, 0.013%; no homozygotes.

Submissions (2):

Quest Diagnostics Nichols Institute San Juan Capistrano
Classification: Uncertain significance. Last evaluated: 2024-04-17. Review status: criteria provided, single submitter. Criteria: Quest Diagnostics criteria. Collection method: clinical testing. Allele origin: unknown.
Comment: The APOB c.6035G>A (p.Arg2012Gln) variant has not been reported in individuals with APOB-related conditions in the published literature. The frequency of this variant in the general population, 0.000018 (5/282804 chromosomes (Genome Aggregation Database)), is uninformative in the assessment of its pathogenicity. Analysis of this variant using bioinformatics tools for the prediction of the effect of amino acid changes on protein structure and function yielded predictions that this variant is benign. Based on the available information, we are unable to determine the clinical significance of this variant.

Labcorp Genetics (formerly Invitae), Labcorp
Classification: Likely benign for Familial hypobetalipoproteinemia 1; Hypercholesterolemia, autosomal dominant, type B. Last evaluated: 2024-01-16. Review status: criteria provided, single submitter. Criteria: Invitae Variant Classification Sherloc (09022015). Collection method: clinical testing. Allele origin: germline.

NM_000384.3(APOB):c.6035G>A (p.Arg2012Gln)

Gene: APOB (apolipoprotein B; minus strand). Cytogenetic location: 2p24.1.
Variant type: single nucleotide variant.
Coding change: c.6035G>A on transcript NM_000384.3 (MANE Select); coding-DNA position 6035, G replaced by A.
Protein change: p.Arg2012Gln; replaces arginine 2012 with glutamine.
Molecular consequence: missense variant.
Genome position (GRCh38, 1-based): chr2:21,010,833, C>T on the plus strand (G>A on the coding strand, the complement: APOB is on the minus strand). VCF-style: chr2-21010833-C-T. GRCh37 (hg19) VCF-style: chr2-21233705-C-T.
Other names: short protein forms R2012Q.
Identifiers: ClinVar variation 2925276 (VCV002925276.4), dbSNP rs749146264, ClinGen allele CA062787.